The following is an entry in ClinVar:

NM_015978.3(TNNI3K):c.2122-1G>A

Genes: FPGT-TNNI3K (FPGT-TNNI3K readthrough; plus strand), LRRC53 (leucine rich repeat containing 53; minus strand), TNNI3K (TNNI3 interacting kinase; plus strand). Cytogenetic location: 1p31.1.
Variant type: single nucleotide variant.
Coding change: c.2122-1G>A on transcript NM_015978.3 (MANE Select); the canonical splice acceptor site of the intron before coding-DNA position 2122, G replaced by A.
Molecular consequence: splice acceptor variant. On other transcripts: intron variant (2).
Genome position (GRCh38, 1-based): chr1:74,489,188, G>A. VCF-style: chr1-74489188-G-A. GRCh37 (hg19) VCF-style: chr1-74954872-G-A.
Other names: c.2425-1G>A (NM_001112808.3); c.-8-8220C>T (NM_001364666.2); c.-26-5813C>T (NM_001382280.1).
Identifiers: ClinVar variation 1925564 (VCV001925564.5), dbSNP rs748280913, ClinGen allele CA909784.
Genomic context (GRCh38, chr1:74,489,188, plus strand): 5'-TCCAAAGAGAGTCTCCTTCCTTTTATTCTTAAGGGAAAAAAGTTCTTTTTTCTATTTACA[G>A]GGAAGACCCGAATTTTCTGAAGTTGTCATGAAGTTAGAAGAGTGTCTCTGCAACATTGAG-3'

ClinVar aggregate classification (germline): Uncertain significance (1 of 4 stars; one submission).

Allele frequency attached by ClinVar (database versions not stated): TOPMed below 0.00001; ExAC 0.00001; gnomAD exomes 0.00001.
gnomAD v4.1: 7 of 1,610,028 alleles (0.00043%); highest among the groups gnomAD compares: Non-Finnish European, 0.00059%; no homozygotes.

Submission:

Labcorp Genetics (formerly Invitae), Labcorp
Classification: Uncertain significance. Last evaluated: 2024-06-11. Review status: criteria provided, single submitter. Criteria: Invitae Variant Classification Sherloc (09022015). Collection method: clinical testing. Allele origin: germline.
Comment: This sequence change affects an acceptor splice site in intron 21 of the TNNI3K gene. It is expected to disrupt RNA splicing. Variants that disrupt the donor or acceptor splice site typically lead to a loss of protein function (PMID: 16199547), however the current clinical and genetic evidence is not sufficient to establish whether loss-of-function variants in TNNI3K cause disease. This variant is present in population databases (rs748280913, gnomAD 0.002%). This variant has not been reported in the literature in individuals affected with TNNI3K-related conditions. ClinVar contains an entry for this variant (Variation ID: 1925564). Algorithms developed to predict the effect of sequence changes on RNA splicing suggest that this variant may disrupt the consensus splice site. In summary, the available evidence is currently insufficient to determine the role of this variant in disease. Therefore, it has been classified as a Variant of Uncertain Significance.

Literature cited by the submitters: PubMed 16199547.